The following is an entry in ClinVar:

ClinVar aggregate classification (germline): Conflicting classifications of pathogenicity. Review status: criteria provided, conflicting classifications (1 of 4 stars). 5 submissions from 5 submitters: Uncertain significance (4); Likely benign (1). Last evaluated 2024-05-09.

Conditions:
Hereditary cancer-predisposing syndrome. Also called: Hereditary neoplastic syndrome; Tumor predisposition; Neoplastic Syndromes, Hereditary; Hereditary Cancer Syndrome. Identifiers: Orphanet 140162, MedGen C0027672, MeSH D009386, MONDO:0015356.
Hereditary breast ovarian cancer syndrome. Also called: Hereditary breast and ovarian cancer; Hereditary breast and/or ovarian cancer syndrome; Hereditary breast and ovarian cancer syndrome; Hereditary breast and ovarian cancer syndrome (HBOC); Breast and ovarian cancer; BRCA1- and BRCA2-Associated Hereditary Breast and Ovarian Cancer. Identifiers: Orphanet 145, MedGen C0677776, MeSH D061325, MONDO:0003582. Disease mechanism: loss of function.

Allele frequency attached by ClinVar (database versions not stated): gnomAD exomes below 0.00001.
gnomAD v4.1: 1 of 1,614,104 alleles (0.000062%); highest among the groups gnomAD compares: Non-Finnish European, 0.000085%; no homozygotes.

Submissions (5):

Ambry Genetics
Classification: Uncertain significance for Hereditary cancer-predisposing syndrome. Last evaluated: 2024-05-09. Review status: criteria provided, single submitter. Criteria: Ambry Variant Classification Scheme 2023. Collection method: clinical testing. Allele origin: germline.
Comment: The p.R756G variant (also known as c.2266A>G), located in coding exon 9 of the BRCA1 gene, results from an A to G substitution at nucleotide position 2266. The arginine at codon 756 is replaced by glycine, an amino acid with dissimilar properties. This amino acid position is not well conserved in available vertebrate species. In addition, the in silico prediction for this alteration is inconclusive. Based on the available evidence, the clinical significance of this variant remains unclear.

Color Diagnostics, LLC DBA Color Health
Classification: Uncertain significance for Hereditary cancer-predisposing syndrome. Last evaluated: 2024-02-15. Review status: criteria provided, single submitter. Criteria: ACMG Guidelines, 2015. Collection method: clinical testing. Allele origin: germline.
Comment: This missense variant replaces arginine with glycine at codon 756 of the BRCA1 protein. Computational prediction suggests that this variant may not impact protein structure and function. To our knowledge, functional studies have not been reported for this variant. This variant has been detected in a breast cancer case-control meta-analysis in 2/60466 cases and 0/53461 unaffected individuals (PMID: 33471991; Leiden Open Variation Database DB-ID BRCA1_001571). This variant has not been identified in the general population by the Genome Aggregation Database (gnomAD). The available evidence is insufficient to determine the role of this variant in disease conclusively. Therefore, this variant is classified as a Variant of Uncertain Significance.

Labcorp Genetics (formerly Invitae), Labcorp
Classification: Uncertain significance for Hereditary breast ovarian cancer syndrome. Last evaluated: 2024-02-08. Review status: criteria provided, single submitter. Criteria: Invitae Variant Classification Sherloc (09022015). Collection method: clinical testing. Allele origin: germline.
Comment: This sequence change replaces arginine, which is basic and polar, with glycine, which is neutral and non-polar, at codon 756 of the BRCA1 protein (p.Arg756Gly). This variant is not present in population databases (gnomAD no frequency). This variant has not been reported in the literature in individuals affected with BRCA1-related conditions. ClinVar contains an entry for this variant (Variation ID: 421371). Advanced modeling of protein sequence and biophysical properties (such as structural, functional, and spatial information, amino acid conservation, physicochemical variation, residue mobility, and thermodynamic stability) performed at Invitae indicates that this missense variant is not expected to disrupt BRCA1 protein function with a negative predictive value of 95%. In summary, the available evidence is currently insufficient to determine the role of this variant in disease. Therefore, it has been classified as a Variant of Uncertain Significance.

University of Washington Department of Laboratory Medicine, University of Washington
Classification: Likely benign for Hereditary cancer-predisposing syndrome. Last evaluated: 2023-03-23. Review status: criteria provided, single submitter. Criteria: Dines et al. (Genet Med. 2020). Collection method: curation. Allele origin: germline.
Comment: Missense variant in a coldspot region where missense variants are very unlikely to be pathogenic (PMID:31911673).

BRCA1 coldspot (exon 11 using historical exon numbering). Reclassification based on statistical prior probability

GeneDx
Classification: Uncertain significance. Last evaluated: 2016-06-01. Review status: criteria provided, single submitter. Criteria: GeneDx Variant Classification (06012015). Collection method: clinical testing. Allele origin: germline. Affected: yes.
Comment: This variant is denoted BRCA1 c.2266A>G at the cDNA level, p.Arg756Gly (R756G) at the protein level, and results in the change of an Arginine to a Glycine (AGG>GGG). Using alternate nomenclature, this variant would be defined as BRCA1 2385A>G. This variant has not, to our knowledge, been published in the literature as pathogenic or benign. BRCA1 Arg756Gly was not observed in approximately 6,500 individuals of European and African American ancestry in the NHLBI Exome Sequencing Project, suggesting it is not a common benign variant in these populations. Since Arginine and Glycine differ in polarity, charge, size or other properties, this is considered a non-conservative amino acid substitution. BRCA1 Arg756Gly occurs at a position that is not conserved and is located within the DNA binding domain and a region known to interact with multiple other proteins (Narod 2004, Paul 2014). In silico analyses predict that this variant is unlikely to alter protein structure or function. Based on currently available evidence, it is unclear whether BRCA1 Arg756Gly is a pathogenic or benign variant. We consider it to be a variant of uncertain significance.

Literature cited by the submitters: PubMed 33471991 (cited by Color Diagnostics, LLC DBA Color Health).

NM_007294.4(BRCA1):c.2266A>G (p.Arg756Gly)

Gene: BRCA1 (BRCA1 DNA repair associated; minus strand). Cytogenetic location: 17q21.31.
Variant type: single nucleotide variant.
Coding change: c.2266A>G on transcript NM_007294.4 (MANE Select); coding-DNA position 2266, A replaced by G.
Protein change: p.Arg756Gly; replaces arginine 756 with glycine.
Molecular consequence: missense variant. On other transcripts: intron variant (137).
Genome position (GRCh38, 1-based): chr17:43,093,265, T>C on the plus strand (A>G on the coding strand, the complement: BRCA1 is on the minus strand). VCF-style: chr17-43093265-T-C. GRCh37 (hg19) VCF-style: chr17-41245282-T-C.
Other names: c.577+1479A>G (NM_001408492.1, NM_001408513.1, NM_001408489.1 and 9 more transcripts); c.643+1479A>G (NM_001408468.1, NM_001408465.1, NM_001408463.1 and 3 more transcripts); c.523+1479A>G (NM_001408501.1, NM_001408500.1, NM_001408497.1 and 3 more transcripts); c.646+1479A>G (NM_001408455.1, NM_001408466.1, NM_001408452.1 and 11 more transcripts); c.520+1479A>G (NM_001408503.1, NM_001408505.1, NM_001408504.1); c.787+1479A>G (NM_001407973.1, NM_001408403.1, NM_001407983.1 and 17 more transcripts); c.404-2233A>G (NM_001408511.1); c.461-2233A>G (NM_001408507.1, NM_001408506.1); and 41 more; short protein forms R756G, R709G, R668G, R686G, R688G, R708G, R715G, R730G.
Identifiers: ClinVar variation 421371 (VCV000421371.18), dbSNP rs1064795091, ClinGen allele CA10597467.
Genomic context (GRCh38, chr17:43,093,265, plus strand): 5'-CAGTACCAGGTACCAATGAAATACTGCTACTCTCTACAGATCTTTCAGTTTGCAAAACCC[T>C]TTCTCCACTTAACATGAGATCTTTGGGGTCTTCAGCATTATTAGACACTTTAACTGTTTC-3'
Protein context (NP_009225.1, residues 746-766): DPKDLMLSGE[Arg756Gly]VLQTERSVES